The following is an entry in ClinVar:

ClinVar aggregate classification (germline): Uncertain significance (1 of 4 stars; one submission).

Conditions:
Developmental and epileptic encephalopathy, 14 (DEE14). Also called: Early infantile epileptic encephalopathy 14. Identifiers: Orphanet 293181, MedGen C3554195, MONDO:0013989, OMIM 614959.
Autosomal dominant nocturnal frontal lobe epilepsy 5. Also called: KCNT1-Related Epilepsy; CILIARY DYSKINESIA, PRIMARY, 28, WITH SITUS INVERSUS; Epilepsy, nocturnal frontal lobe, 5; CILIARY DYSKINESIA, PRIMARY, 28, WITHOUT SITUS INVERSUS. Identifiers: Orphanet 98784, MedGen C3554306, MONDO:0014002, OMIM 615005.

gnomAD v4.1: 1 of 1,603,506 alleles (0.000062%); highest among the groups gnomAD compares: Non-Finnish European, 0.000085%; no homozygotes.

Submission:

Labcorp Genetics (formerly Invitae), Labcorp
Classification: Uncertain significance for Autosomal dominant nocturnal frontal lobe epilepsy 5; Developmental and epileptic encephalopathy, 14. Last evaluated: 2021-05-06. Review status: criteria provided, single submitter. Criteria: Invitae Variant Classification Sherloc (09022015). Collection method: clinical testing. Allele origin: germline.
Comment: Algorithms developed to predict the effect of missense changes on protein structure and function (SIFT, PolyPhen-2, Align-GVGD) all suggest that this variant is likely to be tolerated, but these predictions have not been confirmed by published functional studies and their clinical significance is uncertain. This variant has not been reported in the literature in individuals with KCNT1-related conditions. This variant is not present in population databases (ExAC no frequency). This sequence change replaces serine with arginine at codon 605 of the KCNT1 protein (p.Ser605Arg). The serine residue is moderately conserved and there is a moderate physicochemical difference between serine and arginine. In summary, the available evidence is currently insufficient to determine the role of this variant in disease. Therefore, it has been classified as a Variant of Uncertain Significance.

NM_020822.3(KCNT1):c.1815C>A (p.Ser605Arg)

Gene: KCNT1 (potassium sodium-activated channel subfamily T member 1; plus strand). Cytogenetic location: 9q34.3.
Variant type: single nucleotide variant.
Coding change: c.1815C>A on transcript NM_020822.3 (MANE Select); coding-DNA position 1815, C replaced by A.
Protein change: p.Ser605Arg; replaces serine 605 with arginine.
Molecular consequence: missense variant.
Genome position (GRCh38, 1-based): chr9:135,770,902, C>A. VCF-style: chr9-135770902-C-A. GRCh37 (hg19) VCF-style: chr9-138662748-C-A.
Other names: c.1680C>A, p.Ser560Arg (NM_001272003.2); short protein forms S605R, S560R.
Identifiers: ClinVar variation 1414786 (VCV001414786.6), dbSNP rs113201678, ClinGen allele CA201473377.